The following is an entry in ClinVar:

ClinVar aggregate classification (germline): Pathogenic. Review status: reviewed by expert panel (3 of 4 stars). 5 submissions from 5 submitters: Pathogenic (1). 4 of the submissions do not count toward it. Last evaluated 2019-06-18.

Conditions:
Hereditary breast ovarian cancer syndrome. Also called: BRCA1- and BRCA2-Associated Hereditary Breast and Ovarian Cancer; Hereditary breast and ovarian cancer syndrome; Hereditary breast and ovarian cancer syndrome (HBOC); Breast and ovarian cancer; Hereditary breast and/or ovarian cancer syndrome; Hereditary breast and ovarian cancer. Identifiers: Orphanet 145, MedGen C0677776, MeSH D061325, MONDO:0003582. Disease mechanism: loss of function.
Breast-ovarian cancer, familial, susceptibility to, 1 (BROVCA1). Also called: BRCA1 Hereditary Breast and Ovarian Cancer; OVARIAN CANCER, SUSCEPTIBILITY TO. Identifiers: Orphanet 145, MedGen C2676676, MONDO:0011450, OMIM 604370. Disease mechanism: loss of function.

Submissions (5):

Evidence-based Network for the Interpretation of Germline Mutant Alleles (ENIGMA)
Classification: Pathogenic for Breast-ovarian cancer, familial, susceptibility to, 1. Last evaluated: 2019-06-18. Review status: reviewed by expert panel. Criteria: ENIGMA BRCA1/2 Classification Criteria (2017-06-29). Collection method: curation. Allele origin: germline.
Comment: IARC class based on posterior probability from multifactorial likelihood analysis, thresholds for class as per Plon et al. 2008 (PMID: 18951446). Class 5 based on posterior probability = 0.996657

GeneKor MSA
Classification: Pathogenic for Hereditary breast and ovarian cancer syndrome. Last evaluated: 2020-01-01. Review status: criteria provided, single submitter. Criteria: ACMG Guidelines, 2015. Collection method: clinical testing. Allele origin: germline. Affected: yes. Not counted in ClinVar's aggregate classification.
Comment: This variant is a single base pair deletion in the first base of intron 13 of the BRCA1 gene. This position is conserved in the human and other genomes and might be involved in mRNA processing. Therefore, this variant is expected to disrupt RNA splicing and results in an absent or disrupted protein product. Truncating variants in BRCA1 are known to be pathogenic. This variant has been reported in the literature in Turkish breast/ovarian families (PMID: 10952777). The mutation database ClinVar contains entries for this variant (Variation ID: 55211).

Genetics and Molecular Pathology, SA Pathology
Classification: Pathogenic for Breast-ovarian cancer, familial, susceptibility to, 1. Last evaluated: 2019-12-31. Review status: criteria provided, single submitter. Criteria: ACMG Guidelines, 2015. Collection method: clinical testing. Allele origin: germline. Affected: yes. Not counted in ClinVar's aggregate classification.
Comment: The BRCA1 c.4484+1delG variant is classified as Pathogenic (PVS1, PM2, PP5) The BRCA1 c.4484+1delG variant is located in a splice donor region. Computational predictions support a deleterious effect on splicing and a likely disruption of the protein reading frame and non-sense mediated decay of the resulting protein product (PVS1).This variant is absent from population databases (PM2). not in population databases ENIGMA/Parsons 2019 co-segregation in ICON data from 1 family The variant has been reported in dbSNP (rs397509181) and in the HGMD database: CD004791. It has been reported as Pathogenic by other diagnostic laboratories (ClinVar Variation ID: 55211). Multifactorial analysis by ENIGMA consortium confirms this variant as pathogenic

Labcorp Genetics (formerly Invitae), Labcorp
Classification: Likely pathogenic for Hereditary breast ovarian cancer syndrome. Last evaluated: 2019-11-26. Review status: criteria provided, single submitter. Criteria: Invitae Variant Classification Sherloc (09022015). Collection method: clinical testing. Allele origin: germline. Not counted in ClinVar's aggregate classification.
Comment: In summary, the currently available evidence indicates that the variant is pathogenic, but additional data are needed to prove that conclusively. Therefore, this variant has been classified as Likely Pathogenic. Donor and acceptor splice site variants typically lead to a loss of protein function (PMID: 16199547), and loss-of-function variants in BRCA1 are known to be pathogenic (PMID: 20104584). This variant has been observed in an individual with a personal and family history of breast and/or ovarian cancer (PMID: 10952777). This variant is also known as IVS-14+1delG in the literature. ClinVar contains an entry for this variant (Variation ID: 55211). This variant is not present in population databases (ExAC no frequency). This sequence change affects a donor splice site in intron 13 of the BRCA1 gene. It is expected to disrupt RNA splicing and likely results in an absent or disrupted protein product.

Consortium of Investigators of Modifiers of BRCA1/2 (CIMBA), c/o University of Cambridge
Classification: Pathogenic for Breast-ovarian cancer, familial, susceptibility to, 1. Last evaluated: 2015-10-02. Review status: criteria provided, single submitter. Criteria: CIMBA Mutation Classification guidelines May 2016. Collection method: clinical testing. Allele origin: germline. Not counted in ClinVar's aggregate classification.

Literature cited by the submitters: PubMed 31131967 (cited by Evidence-based Network for the Interpretation of Germline Mutant Alleles (ENIGMA)); PubMed 16199547 (cited by Labcorp Genetics (formerly Invitae), Labcorp); PubMed 20104584 (cited by Labcorp Genetics (formerly Invitae), Labcorp); PubMed 10952777 (cited by Labcorp Genetics (formerly Invitae), Labcorp).

NM_007294.4(BRCA1):c.4484+1del

Gene: BRCA1 (BRCA1 DNA repair associated; minus strand). Cytogenetic location: 17q21.31.
Variant type: Deletion.
Coding change: c.4484+1del on transcript NM_007294.4 (MANE Select); the canonical splice donor site of the intron after coding-DNA position 4484, one base deleted (G; older notation c.4484+1delG).
Molecular consequence: splice donor variant. On other transcripts: intron variant (3).
Genome position (GRCh38, 1-based): chr17:43,076,487, C deleted on the plus strand (G on the coding strand, the reverse complement: BRCA1 is on the minus strand); the first of 2 consecutive C bases (chr17:43,076,487-43,076,488); deleting either gives the same sequence. VCF-style (leftmost placement, unchanged base first): chr17-43076486-AC-A. GRCh37 (hg19) VCF-style: chr17-41228503-AC-A.
Other names: c.4214-5249del (NM_001407964.1); c.4337+1del (NM_001407844.1, NM_001407851.1, NM_001407848.1 and 12 more transcripts); c.4340+1del (NM_001407743.1, NM_001407735.1, NM_001407747.1 and 21 more transcripts); c.4214+1del (NM_001407935.1, NM_001407934.1, NM_001407936.1); c.4220+1del (NM_001407926.1, NM_001407922.1, NM_001407925.1 and 4 more transcripts); c.4478+1del (NM_001407627.1, NM_001407861.1, NM_001407635.1 and 14 more transcripts); c.4481+1del (NM_001407614.1, NM_001407626.1, NM_001407622.1 and 17 more transcripts); c.4547+1del (NM_001407587.1, NM_001407585.1, NM_001407583.1 and 1 more transcripts); and 72 more.
Identifiers: ClinVar variation 55211 (VCV000055211.18), dbSNP rs397509181, ClinGen allele CA002872.